The following is an entry in ClinVar:

ClinVar aggregate classification (germline): Uncertain significance (1 of 4 stars; one submission).

Submission:

Labcorp Genetics (formerly Invitae), Labcorp
Classification: Uncertain significance. Last evaluated: 2025-05-04. Review status: criteria provided, single submitter. Criteria: Invitae Variant Classification Sherloc (09022015). Collection method: clinical testing. Allele origin: germline.
Comment: This sequence change replaces valine, which is neutral and non-polar, with isoleucine, which is neutral and non-polar, at codon 157 of the FUK protein (p.Val157Ile). This variant is not present in population databases (gnomAD no frequency). This variant has not been reported in the literature in individuals affected with FUK-related conditions. An algorithm developed to predict the effect of missense changes on protein structure and function (PolyPhen-2) suggests that this variant is likely to be tolerated. In summary, the available evidence is currently insufficient to determine the role of this variant in disease. Therefore, it has been classified as a Variant of Uncertain Significance.

NM_145059.3(FCSK):c.469G>A (p.Val157Ile)

Gene: FCSK (fucose kinase; plus strand). Cytogenetic location: 16q22.1.
Variant type: single nucleotide variant.
Coding change: c.469G>A on transcript NM_145059.3 (MANE Select); coding-DNA position 469, G replaced by A.
Protein change: p.Val157Ile; replaces valine 157 with isoleucine.
Molecular consequence: missense variant.
Genome position (GRCh38, 1-based): chr16:70,466,939, G>A. VCF-style: chr16-70466939-G-A. GRCh37 (hg19) VCF-style: chr16-70500842-G-A.
Other names: short protein forms V157I.
Identifiers: ClinVar variation 4805083 (VCV004805083.1).